The following is an entry in ClinVar:

NM_004415.4(DSP):c.7831G>T (p.Asp2611Tyr)

Gene: DSP (desmoplakin; plus strand). Cytogenetic location: 6p24.3.
Variant type: single nucleotide variant.
Coding change: c.7831G>T on transcript NM_004415.4 (MANE Select); coding-DNA position 7831, G replaced by T.
Protein change: p.Asp2611Tyr; replaces aspartic acid 2611 with tyrosine.
Molecular consequence: missense variant.
Genome position (GRCh38, 1-based): chr6:7,585,093, G>T. VCF-style: chr6-7585093-G-T. GRCh37 (hg19) VCF-style: chr6-7585326-G-T.
Other names: c.6034G>T, p.Asp2012Tyr (NM_001008844.3); c.6502G>T, p.Asp2168Tyr (NM_001319034.2); short protein forms D2012Y, D2611Y, D2168Y.
Identifiers: ClinVar variation 2561279 (VCV002561279.2), dbSNP rs1349412419, ClinGen allele CA362693873.

ClinVar aggregate classification (germline): Uncertain significance (1 of 4 stars; one submission).

Conditions:
Cardiovascular phenotype. Identifiers: MedGen CN230736.

Submission:

Ambry Genetics
Classification: Uncertain significance for Cardiovascular phenotype. Last evaluated: 2023-05-04. Review status: criteria provided, single submitter. Criteria: Ambry Variant Classification Scheme 2023. Collection method: clinical testing. Allele origin: germline.
Comment: The p.D2611Y variant (also known as c.7831G>T), located in coding exon 24 of the DSP gene, results from a G to T substitution at nucleotide position 7831. The aspartic acid at codon 2611 is replaced by tyrosine, an amino acid with highly dissimilar properties. This amino acid position is conserved. In addition, the in silico prediction for this alteration is inconclusive. Since supporting evidence is limited at this time, the clinical significance of this alteration remains unclear.